The following is an entry in ClinVar:

ClinVar aggregate classification (germline): Conflicting classifications of pathogenicity. Review status: criteria provided, conflicting classifications (1 of 4 stars). 5 submissions from 5 submitters: Uncertain significance (2); Likely benign (3). Last evaluated 2025-09-03.

Conditions:
Hereditary cancer-predisposing syndrome. Also called: Hereditary neoplastic syndrome; Tumor predisposition; Neoplastic Syndromes, Hereditary; Hereditary Cancer Syndrome. Identifiers: Orphanet 140162, MedGen C0027672, MeSH D009386, MONDO:0015356.
Tuberous sclerosis syndrome (TSC). Also called: Tuberous Sclerosis Complex; Tuberous sclerosis. Identifiers: Orphanet 805, MedGen C0041341, MONDO:0001734.
Tuberous sclerosis 2 (TSC2). Identifiers: Orphanet 805, MedGen C1860707, MONDO:0013199, OMIM 613254.

Allele frequency attached by ClinVar (database versions not stated): TOPMed 0.00002.
gnomAD v4.1: 12 of 1,613,238 alleles (0.00074%); highest among the groups gnomAD compares: South Asian, 0.0044%; no homozygotes.

Submissions (5):

Labcorp Genetics (formerly Invitae), Labcorp
Classification: Likely benign for Tuberous sclerosis 2. Last evaluated: 2025-09-03. Review status: criteria provided, single submitter. Criteria: Invitae Variant Classification Sherloc (09022015). Collection method: clinical testing. Allele origin: germline.

Color Diagnostics, LLC DBA Color Health
Classification: Uncertain significance for Tuberous sclerosis syndrome. Last evaluated: 2023-10-26. Review status: criteria provided, single submitter. Criteria: ACMG Guidelines, 2015. Collection method: clinical testing. Allele origin: germline.
Comment: This missense variant replaces serine with phenylalanine at codon 1507 of the TSC2 protein. Computational prediction suggests that this variant may have deleterious impact on protein structure and function. To our knowledge, functional studies have not been reported for this variant. This variant has not been reported in individuals affected with tuberous sclerosis complex in the literature. This variant has been identified in 3/281762 chromosomes in the general population by the Genome Aggregation Database (gnomAD). The available evidence is insufficient to determine the role of this variant in disease conclusively. Therefore, this variant is classified as a Variant of Uncertain Significance.

Ambry Genetics
Classification: Likely benign for Hereditary cancer-predisposing syndrome. Last evaluated: 2023-03-23. Review status: criteria provided, single submitter. Criteria: Ambry Variant Classification Scheme 2023. Collection method: clinical testing. Allele origin: germline.

Genome-Nilou Lab
Classification: Likely benign for Tuberous sclerosis 2. Last evaluated: 2021-11-07. Review status: criteria provided, single submitter. Criteria: ACMG Guidelines, 2015. Collection method: clinical testing. Allele origin: germline. Affected: no.

GeneDx
Classification: Uncertain significance. Last evaluated: 2017-06-06. Review status: criteria provided, single submitter. Criteria: GeneDx Variant Classification (06012015). Collection method: clinical testing. Allele origin: germline. Affected: yes.
Comment: A variant of uncertain significance has been identified in the TSC2 gene. The S1507F variant has not been published as a pathogenic variant, nor has it been reported as a benign variant to our knowledge. The S1507F variant is not observed in large population cohorts (Lek et al., 2016; 1000 Genomes Consortium et al., 2015; Exome Variant Server). The S1507F variant is a non-conservative amino acid substitution, which is likely to impact secondary protein structure as these residues differ in polarity, charge, size and/or other properties. This substitution occurs at a position that is conserved across species and in silico analysis predicts this variant is probably damaging to the protein structure/function. Multiple missense variants in nearby residues have been reported in Human Gene Mutation Database in association with tuberous sclerosis (Stenson et al., 2014), supporting the functional importance of this region of the protein. However, this substitution does not occur within known functional domains of the tuberin protein, where many pathogenic missense variants have been identified (Northrup et al., 2011; Au et al., 2007). Therefore, based on the currently available information, it is unclear whether this variant is a pathogenic variant or a rare benign variant.

NM_000548.5(TSC2):c.4520C>T (p.Ser1507Phe)

Gene: TSC2 (TSC complex subunit 2; plus strand). Cytogenetic location: 16p13.3.
Variant type: single nucleotide variant.
Coding change: c.4520C>T on transcript NM_000548.5 (MANE Select); coding-DNA position 4520, C replaced by T.
Protein change: p.Ser1507Phe; replaces serine 1507 with phenylalanine.
Molecular consequence: missense variant.
Genome position (GRCh38, 1-based): chr16:2,084,977, C>T. VCF-style: chr16-2084977-C-T. GRCh37 (hg19) VCF-style: chr16-2134978-C-T.
Other names: c.4319C>T, p.Ser1440Phe (NM_001077183.3); c.4451C>T, p.Ser1484Phe (NM_001114382.3); c.4211C>T, p.Ser1404Phe (NM_001318827.2); c.4175C>T, p.Ser1392Phe (NM_001318829.2); c.3788C>T, p.Ser1263Phe (NM_001318831.2); c.4352C>T, p.Ser1451Phe (NM_001318832.2); c.4322C>T, p.Ser1441Phe (NM_001363528.2); c.4388C>T, p.Ser1463Phe (NM_001370404.1); and 1 more; short protein forms S1507F, S1464F, S1263F, S1404F, S1463F, S1392F, S1484F, S1440F.
Identifiers: ClinVar variation 432500 (VCV000432500.20), dbSNP rs746246149, ClinGen allele CA394302786.